The following is an entry in ClinVar:

ClinVar aggregate classification (germline): Benign/Likely benign. Review status: criteria provided, multiple submitters, no conflicts (2 of 4 stars). 11 submissions from 6 submitters: Benign (7); Likely benign (4). Last evaluated 2026-03-31.

Conditions:
TTN-related disorder. Also called: TTN-related condition; TTN-related disease; TTN-related disorders.
Autosomal recessive limb-girdle muscular dystrophy type 2J (LGMDR10). Also called: MUSCULAR DYSTROPHY, LIMB-GIRDLE, AUTOSOMAL RECESSIVE 10; Limb-girdle muscular dystrophy, type 2J. Identifiers: Orphanet 140922, MedGen C1837342, MONDO:0012127, OMIM 608807.
Dilated cardiomyopathy 1G (CMD1G). Identifiers: Orphanet 154, MedGen C1858763, MONDO:0011400, OMIM 604145.
Myopathy, myofibrillar, 9, with early respiratory failure (MFM9). Also called: Myopathy, distal, with early respiratory failure, autosomal dominant; EDSTROM MYOPATHY; MYOPATHY, PROXIMAL, WITH EARLY RESPIRATORY MUSCLE INVOLVEMENT; Hereditary myopathy with early respiratory failure. Identifiers: Orphanet 178464, Orphanet 34521, MedGen C1863599, MONDO:0011362, OMIM 603689.
Early-onset myopathy with fatal cardiomyopathy (CMYO5). Also called: CONGENITAL MYOPATHY 5 WITH CARDIOMYOPATHY; Salih Myopathy. Identifiers: Orphanet 289377, MedGen C2673677, MONDO:0012714, OMIM 611705. Disease mechanism: loss of function.
Tibial muscular dystrophy (TMD). Also called: Tibial muscular dystrophy, tardive; UDD MYOPATHY; Udd Distal Myopathy – Tibial Muscular Dystrophy. Identifiers: Orphanet 609, MedGen C1838244, MONDO:0010870, OMIM 600334.

Allele frequency attached by ClinVar (database versions not stated): gnomAD exomes 0.00002 and 0.00006; ExAC 0.00003; gnomAD 0.00003 and 0.00004; TOPMed 0.00005.
gnomAD v4.1: 91 of 1,613,528 alleles (0.0056%); highest among the groups gnomAD compares: Non-Finnish European, 0.007%; no homozygotes.

Submissions (11):

PreventionGenetics, part of Exact Sciences
Classification: Likely benign for TTN-related condition. Last evaluated: 2026-03-31. Review status: criteria provided, single submitter. Criteria: ACMG Guidelines, 2015. Collection method: clinical testing. Allele origin: germline.
Comment: This variant is classified as likely benign based on ACMG/AMP sequence variant interpretation guidelines (Richards et al. 2015 PMID: 25741868, with internal and published modifications).

Labcorp Genetics (formerly Invitae), Labcorp
Classification: Likely benign for Dilated cardiomyopathy 1G; Autosomal recessive limb-girdle muscular dystrophy type 2J. Last evaluated: 2026-01-24. Review status: criteria provided, single submitter. Criteria: Invitae Variant Classification Sherloc (09022015). Collection method: clinical testing. Allele origin: germline.

Blueprint Genetics
Classification: Likely benign. Last evaluated: 2023-04-17. Review status: criteria provided, single submitter. Criteria: ACMG Guidelines, 2015. Collection method: clinical testing. Allele origin: germline.

Genome-Nilou Lab
Classification: Benign for Autosomal recessive limb-girdle muscular dystrophy type 2J. Last evaluated: 2021-09-10. Review status: criteria provided, single submitter. Criteria: ACMG Guidelines, 2015. Collection method: clinical testing. Allele origin: germline. Affected: no.

Genome-Nilou Lab
Classification: Benign for Myopathy, myofibrillar, 9, with early respiratory failure. Last evaluated: 2021-09-10. Review status: criteria provided, single submitter. Criteria: ACMG Guidelines, 2015. Collection method: clinical testing. Allele origin: germline. Affected: no.

Genome-Nilou Lab
Classification: Benign for Early-onset myopathy with fatal cardiomyopathy. Last evaluated: 2021-09-10. Review status: criteria provided, single submitter. Criteria: ACMG Guidelines, 2015. Collection method: clinical testing. Allele origin: germline. Affected: no.

Genome-Nilou Lab
Classification: Benign for Tibial muscular dystrophy. Last evaluated: 2021-09-10. Review status: criteria provided, single submitter. Criteria: ACMG Guidelines, 2015. Collection method: clinical testing. Allele origin: germline. Affected: no.

GeneDx
Classification: Likely benign. Last evaluated: 2019-09-16. Review status: criteria provided, single submitter. Criteria: GeneDx Variant Classification Process June 2021. Collection method: clinical testing. Allele origin: germline. Affected: yes.

Phosphorus, Inc.
Classification: Benign for Dilated cardiomyopathy 1G. Last evaluated: 2017-08-01. Review status: criteria provided, single submitter. Criteria: ACMG Guidelines, 2015. Collection method: clinical testing. Allele origin: germline. Observed: 9 variant alleles.

Phosphorus, Inc.
Classification: Benign for Autosomal recessive limb-girdle muscular dystrophy type 2J. Last evaluated: 2017-08-01. Review status: criteria provided, single submitter. Criteria: ACMG Guidelines, 2015. Collection method: clinical testing. Allele origin: germline. Observed: 9 variant alleles.

Phosphorus, Inc.
Classification: Benign for Tibial muscular dystrophy. Last evaluated: 2017-08-01. Review status: criteria provided, single submitter. Criteria: ACMG Guidelines, 2015. Collection method: clinical testing. Allele origin: germline. Observed: 9 variant alleles.

NM_001267550.2(TTN):c.15561G>A (p.Leu5187=)

Gene: TTN (titin; minus strand). Cytogenetic location: 2q31.2.
Variant type: single nucleotide variant.
Coding change: c.15561G>A on transcript NM_001267550.2 (MANE Select); coding-DNA position 15561, G replaced by A.
Protein change: p.Leu5187=; no amino-acid change (leucine 5187 retained).
Molecular consequence: synonymous variant. On other transcripts: intron variant (3).
Genome position (GRCh38, 1-based): chr2:178,733,828, C>T on the plus strand (G>A on the coding strand, the complement: TTN is on the minus strand). VCF-style: chr2-178733828-C-T. GRCh37 (hg19) VCF-style: chr2-179598555-C-T.
Other names: c.14610G>A, p.Leu4870= (NM_001256850.1); c.11829G>A, p.Leu3943= (NM_133378.4); c.13282+4254G>A (NM_003319.4); c.13858+4254G>A (NM_133437.4); c.13657+4254G>A (NM_133432.3).
Identifiers: ClinVar variation 262319 (VCV000262319.20), dbSNP rs779159076, ClinGen allele CA2002201.
Genomic context (GRCh38, chr2:178,733,828, plus strand): 5'-GACCTCTTGACCTTTCATCCATGTGACAGAAATGGGCTCTGACCCTCTCACAGCAGCTTG[C>T]AGGGTAACGGTTTGTCCTCCTAGTGCAATCAAATCATCTACTTTCTTTACAAAGGTTGGA-3'
Protein context (NP_001254479.2, residues 5177-5197): LIALGGQTVT[Leu5187=]QAAVRGSEPI